The following is an entry in ClinVar:

NM_002907.4(RECQL):c.365G>C (p.Cys122Ser)

Gene: RECQL (RecQ like helicase; minus strand). Cytogenetic location: 12p12.1.
Variant type: single nucleotide variant.
Coding change: c.365G>C on transcript NM_002907.4 (MANE Select); coding-DNA position 365, G replaced by C.
Protein change: p.Cys122Ser; replaces cysteine 122 with serine.
Molecular consequence: missense variant.
Genome position (GRCh38, 1-based): chr12:21,490,228, C>G on the plus strand (G>C on the coding strand, the complement: RECQL is on the minus strand). VCF-style: chr12-21490228-C-G. GRCh37 (hg19) VCF-style: chr12-21643162-C-G.
Other names: c.365G>C, p.Cys122Ser (NM_032941.3); short protein forms C122S.
Identifiers: ClinVar variation 1733670 (VCV001733670.2), dbSNP rs572475241, ClinGen allele CA384132301.

ClinVar aggregate classification (germline): Uncertain significance (1 of 4 stars; one submission).

Submission:

Ambry Genetics
Classification: Uncertain significance. Last evaluated: 2020-10-30. Review status: criteria provided, single submitter. Criteria: Ambry Variant Classification Scheme 2023. Collection method: clinical testing. Allele origin: germline.
Comment: The p.C122S variant (also known as c.365G>C), located in coding exon 3 of the RECQL gene, results from a G to C substitution at nucleotide position 365. The cysteine at codon 122 is replaced by serine, an amino acid with dissimilar properties. This amino acid position is highly conserved in available vertebrate species. In addition, the in silico prediction for this alteration is inconclusive. Since supporting evidence is limited at this time, the clinical significance of this alteration remains unclear.